The following is an entry in ClinVar:

ClinVar aggregate classification (germline): Uncertain significance. Review status: criteria provided, multiple submitters, no conflicts (2 of 4 stars). 3 submissions from 3 submitters: Uncertain significance (2). 1 of the submissions does not count toward it. Last evaluated 2022-10-13.

Conditions:
Usher syndrome type 1 (USH1). Also called: RETINITIS PIGMENTOSA AND CONGENITAL DEAFNESS. Identifiers: Orphanet 231169, Orphanet 886, MedGen C1568247, MONDO:0010168, OMIM 276900.

Allele frequency attached by ClinVar (database versions not stated): ExAC 0.00002; TOPMed 0.00004.
gnomAD v4.1: 11 of 1,613,874 alleles (0.00068%); highest among the groups gnomAD compares: African/African-American, 0.008%; no homozygotes.

Submissions (3):

Labcorp Genetics (formerly Invitae), Labcorp
Classification: Uncertain significance. Last evaluated: 2022-10-13. Review status: criteria provided, single submitter. Criteria: Invitae Variant Classification Sherloc (09022015). Collection method: clinical testing. Allele origin: germline.
Comment: This sequence change replaces threonine, which is neutral and polar, with lysine, which is basic and polar, at codon 46 of the CDH23 protein (p.Thr46Lys). This variant is present in population databases (rs727504613, gnomAD 0.02%). This variant has not been reported in the literature in individuals affected with CDH23-related conditions. ClinVar contains an entry for this variant (Variation ID: 179083). Advanced modeling of protein sequence and biophysical properties (such as structural, functional, and spatial information, amino acid conservation, physicochemical variation, residue mobility, and thermodynamic stability) performed at Invitae indicates that this missense variant is not expected to disrupt CDH23 protein function. In summary, the available evidence is currently insufficient to determine the role of this variant in disease. Therefore, it has been classified as a Variant of Uncertain Significance.

Laboratory for Molecular Medicine, Mass General Brigham Personalized Medicine
Classification: Uncertain significance. Last evaluated: 2013-07-17. Review status: criteria provided, single submitter. Criteria: LMM Criteria. Collection method: clinical testing. Allele origin: germline. Observed: 1 variant allele.
Comment: The Thr46Lys variant in CDH23 has not been reported in individuals with hearing loss or Usher syndrome. Computational analyses (biochemical amino acid propertie s, conservation, AlignGVGD, PolyPhen2, and SIFT) do not provide strong support f or or against an impact to the protein. In summary, additional data is needed to determine the clinical significance of this variant.

Natera, Inc.
Classification: Uncertain significance for Usher syndrome type 1. Last evaluated: 2020-04-15. Review status: no assertion criteria provided. Collection method: clinical testing. Allele origin: germline. Not counted in ClinVar's aggregate classification.

NM_022124.6(CDH23):c.137C>A (p.Thr46Lys)

Gene: CDH23 (cadherin related 23; plus strand). Cytogenetic location: 10q22.1.
Variant type: single nucleotide variant.
Coding change: c.137C>A on transcript NM_022124.6 (MANE Select); coding-DNA position 137, C replaced by A.
Protein change: p.Thr46Lys; replaces threonine 46 with lysine.
Molecular consequence: missense variant.
Genome position (GRCh38, 1-based): chr10:71,446,387, C>A. VCF-style: chr10-71446387-C-A. GRCh37 (hg19) VCF-style: chr10-73206144-C-A.
Other names: c.137C>A, p.Thr46Lys (NM_001171930.2, NM_001171931.2, NM_001171932.2 and 1 more transcripts); short protein forms T46K.
Identifiers: ClinVar variation 179083 (VCV000179083.7), dbSNP rs727504613, ClinGen allele CA183695.